The following is an entry in ClinVar:

NM_001257293.2(HNRNPH1):c.931C>T (p.Pro311Ser)

Genes: HNRNPH1 (heterogeneous nuclear ribonucleoprotein H1; minus strand), LOC128966623 (uncharacterized LOC128966623; plus strand). Cytogenetic location: 5q35.3.
Variant type: single nucleotide variant.
Coding change: c.931C>T on transcript NM_001257293.2 (MANE Select); coding-DNA position 931, C replaced by T.
Protein change: p.Pro311Ser; replaces proline 311 with serine.
Molecular consequence: missense variant.
Genome position (GRCh38, 1-based): chr5:179,617,640, G>A on the plus strand (C>T on the coding strand, the complement: HNRNPH1 is on the minus strand). VCF-style: chr5-179617640-G-A. GRCh37 (hg19) VCF-style: chr5-179044641-G-A.
Other names: c.931C>T, p.Pro311Ser (NM_001363572.2, NM_001364225.2, NM_001364226.2 and 18 more transcripts); c.910C>T, p.Pro304Ser (NM_001364240.2, NM_001364241.2, NM_001364242.2 and 2 more transcripts); c.775C>T, p.Pro259Ser (NM_001364250.2); c.328C>T, p.Pro110Ser (NM_001364251.2, NM_001364252.2, NM_001364253.2 and 2 more transcripts); c.931C>T (NM_005520.2); short protein forms P110S, P259S, P304S, P311S.
Identifiers: ClinVar variation 1183065 (VCV001183065.3), dbSNP rs2127628178, ClinGen allele CA362437650.
Genomic context (GRCh38, chr5:179,617,640, plus strand): 5'-CTTCACCAGTTACTCTGCCATCAGGACCAATTTCAATGTGTACTCTCACAGGGTTGAGCG[G>A]TGAAAAAAACTACAACACAAGGCATTTCAAAGAATTCAACCAACTTTCTAACGTTACAAA-3'
Protein context (NP_001244222.1, residues 301-321): TENDIYNFFS[Pro311Ser]LNPVRVHIEI

ClinVar aggregate classification (germline): Uncertain significance. Review status: criteria provided, multiple submitters, no conflicts (2 of 4 stars). 2 submissions from 2 submitters: Uncertain significance (2). Last evaluated 2024-07-30.

Conditions:
Inborn genetic diseases. Identifiers: MedGen C0950123, MeSH D030342.

Submissions (2):

Ambry Genetics
Classification: Uncertain significance for Inborn genetic diseases. Last evaluated: 2024-07-30. Review status: criteria provided, single submitter. Criteria: Ambry Variant Classification Scheme 2023. Collection method: clinical testing. Allele origin: germline.

GeneDx
Classification: Uncertain significance. Last evaluated: 2019-03-26. Review status: criteria provided, single submitter. Criteria: GeneDx Variant Classification Process June 2021. Collection method: clinical testing. Allele origin: germline. Affected: yes.
Comment: Not observed in large population cohorts (Lek et al., 2016); In silico analysis, which includes protein predictors and evolutionary conservation, supports a deleterious effect; Has not been previously published as pathogenic or benign to our knowledge; Variants in candidate genes are classified as variants of uncertain significance in accordance with ACMG guidelines (Richards et al., 2015)